The following is an entry in ClinVar:

NM_001368067.1(LDB3):c.413T>A (p.Ile138Asn)

Genes: LDB3 (LIM domain binding 3; plus strand), LOC110121486 (VISTA enhancer hs2143; plus strand). Cytogenetic location: 10q23.2.
Variant type: single nucleotide variant.
Coding change: c.413T>A on transcript NM_001368067.1 (MANE Plus Clinical); coding-DNA position 413, T replaced by A.
Protein change: p.Ile138Asn; replaces isoleucine 138 with asparagine.
Molecular consequence: missense variant. On other transcripts: intron variant (5).
Genome position (GRCh38, 1-based): chr10:86,687,137, T>A. VCF-style: chr10-86687137-T-A. GRCh37 (hg19) VCF-style: chr10-88446894-T-A.
Other names: c.413T>A, p.Ile138Asn (NM_001080114.2, NM_001080116.1, NM_001368066.1 and 1 more transcripts); c.758T>A, p.Ile253Asn (NM_001171610.2, NM_001171611.2); c.690-4759T>A (NM_001368064.1, NM_001368063.1, NM_007078.3 and 2 more transcripts); short protein forms I138N, I253N.
Identifiers: ClinVar variation 2707524 (VCV002707524.3), dbSNP rs777544966, ClinGen allele CA377441576.

ClinVar aggregate classification (germline): Uncertain significance (1 of 4 stars; one submission).

Conditions:
Myofibrillar myopathy 4. Also called: Zaspopathy (type). Identifiers: Orphanet 98912, MedGen C4721886, MONDO:0012277, OMIM 609452.

Allele frequency attached by ClinVar (database versions not stated): gnomAD exomes below 0.00001.
gnomAD v4.1: 2 of 1,614,106 alleles (0.00012%); highest among the groups gnomAD compares: Non-Finnish European, 0.00017%; no homozygotes.

Submission:

Labcorp Genetics (formerly Invitae), Labcorp
Classification: Uncertain significance for Myofibrillar myopathy 4. Last evaluated: 2024-01-04. Review status: criteria provided, single submitter. Criteria: Invitae Variant Classification Sherloc (09022015). Collection method: clinical testing. Allele origin: germline.
Comment: This sequence change replaces isoleucine, which is neutral and non-polar, with asparagine, which is neutral and polar, at codon 138 of the LDB3 protein (p.Ile138Asn). This variant is not present in population databases (gnomAD no frequency). This variant has not been reported in the literature in individuals affected with LDB3-related conditions. An algorithm developed to predict the effect of missense changes on protein structure and function (PolyPhen-2) suggests that this variant is likely to be tolerated. In summary, the available evidence is currently insufficient to determine the role of this variant in disease. Therefore, it has been classified as a Variant of Uncertain Significance.